The following is an entry in ClinVar:

NM_003072.5(SMARCA4):c.1889G>A (p.Gly630Asp)

Gene: SMARCA4 (SWI/SNF related BAF chromatin remodeling complex subunit ATPase 4; plus strand). Cytogenetic location: 19p13.2.
Variant type: single nucleotide variant.
Coding change: c.1889G>A on transcript NM_003072.5 (MANE Select); coding-DNA position 1889, G replaced by A.
Protein change: p.Gly630Asp; replaces glycine 630 with aspartic acid.
Molecular consequence: missense variant. On other transcripts: non-coding transcript variant (1).
Genome position (GRCh38, 1-based): chr19:11,003,105, G>A. VCF-style: chr19-11003105-G-A. GRCh37 (hg19) VCF-style: chr19-11113781-G-A.
Other names: c.1889G>A, p.Gly630Asp (NM_001128844.3, NM_001128845.2, NM_001128846.2 and 5 more transcripts); c.1889G>A (NM_001128849.2); short protein forms G630D.
Identifiers: ClinVar variation 408664 (VCV000408664.23), dbSNP rs749533909, ClinGen allele CA9203927.

ClinVar aggregate classification (germline): Uncertain significance. Review status: criteria provided, multiple submitters, no conflicts (2 of 4 stars). 8 submissions from 7 submitters: Uncertain significance (8). Last evaluated 2026-06-05.

Conditions:
Rhabdoid tumor predisposition syndrome 2 (RTPS2). Identifiers: Orphanet 231108, Orphanet 69077, MedGen C2750074, MONDO:0013224, OMIM 613325.
Otosclerosis 12. Identifiers: MedGen C5935610, MONDO:0968980, OMIM 620792.
Intellectual disability, autosomal dominant 16 (CSS4). Also called: COFFIN-SIRIS SYNDROME 4. Identifiers: Orphanet 1465, MedGen C3553249, MONDO:0013821, OMIM 614609.
SMARCA4-related disorder. Also called: SMARCA4-related condition.
Hereditary cancer-predisposing syndrome. Also called: Neoplastic Syndromes, Hereditary; Tumor predisposition; Hereditary Cancer Syndrome; Hereditary neoplastic syndrome. Identifiers: Orphanet 140162, MedGen C0027672, MeSH D009386, MONDO:0015356.

Allele frequency attached by ClinVar (database versions not stated): ExAC 0.00001; gnomAD 0.00001; gnomAD exomes 0.00001 and 0.00002; TOPMed 0.00001.
gnomAD v4.1: 31 of 1,613,978 alleles (0.0019%); highest among the groups gnomAD compares: Non-Finnish European, 0.0026%; no homozygotes.

Submissions (8):

PreventionGenetics, part of Exact Sciences
Classification: Uncertain significance for SMARCA4-related condition. Last evaluated: 2026-06-05. Review status: criteria provided, single submitter. Criteria: ACMG Guidelines, 2015. Collection method: clinical testing. Allele origin: germline.
Comment: The SMARCA4 c.1889G>A variant is predicted to result in the amino acid substitution p.Gly630Asp. This variant has been observed in a neurodevelopmental disorders cohort study but no clinical information was provided (Supplementary Table 1, Valencia et al. 2023. PubMed ID: 37500730). This variant is reported in 0.0023% of alleles in individuals of European (Non-Finnish) descent in gnomAD, and is classified as a variant of uncertain significance in ClinVar (Variation ID: 408664). At this time, the clinical significance of this variant is uncertain due to the absence of conclusive functional and genetic evidence.

Labcorp Genetics (formerly Invitae), Labcorp
Classification: Uncertain significance for Rhabdoid tumor predisposition syndrome 2. Last evaluated: 2026-01-26. Review status: criteria provided, single submitter. Criteria: Invitae Variant Classification Sherloc (09022015). Collection method: clinical testing. Allele origin: germline.
Comment: This sequence change replaces glycine, which is neutral and non-polar, with aspartic acid, which is acidic and polar, at codon 630 of the SMARCA4 protein (p.Gly630Asp). This variant is present in population databases (rs749533909, gnomAD 0.002%). This missense change has been observed in individual(s) with clinical features of SMARCA4-related conditions (PMID: 37500730). ClinVar contains an entry for this variant (Variation ID: 408664). Invitae Evidence Modeling of protein sequence and biophysical properties (such as structural, functional, and spatial information, amino acid conservation, physicochemical variation, residue mobility, and thermodynamic stability) indicates that this missense variant is expected to disrupt SMARCA4 protein function with a positive predictive value of 95%. In summary, the available evidence is currently insufficient to determine the role of this variant in disease. Therefore, it has been classified as a Variant of Uncertain Significance.

Ambry Genetics
Classification: Uncertain significance for Hereditary cancer-predisposing syndrome. Last evaluated: 2025-03-25. Review status: criteria provided, single submitter. Criteria: Ambry Variant Classification Scheme 2023. Collection method: clinical testing. Allele origin: germline.
Comment: The p.G630D variant (also known as c.1889G>A), located in coding exon 11 of the SMARCA4 gene, results from a G to A substitution at nucleotide position 1889. The glycine at codon 630 is replaced by aspartic acid, an amino acid with similar properties. This amino acid position is highly conserved in available vertebrate species. In addition, this alteration is predicted to be deleterious by in silico analysis. This variant has been detected in multiple individuals with no reported features of Coffin-Siris syndrome-associated disease (Ambry internal data). Based on the supporting evidence, the association of this alteration with rhabdoid tumor predisposition syndrome is unknown; however, the association of this alteration with Coffin-Siris syndrome is unlikely.

St. Jude Molecular Pathology, St. Jude Children's Research Hospital
Classification: Uncertain significance for Rhabdoid tumor predisposition syndrome 2. Last evaluated: 2024-05-15. Review status: criteria provided, single submitter. Criteria: St. Jude Assertion Criteria 2020. Collection method: clinical testing. Allele origin: germline.

Fulgent Genetics
Classification: Uncertain significance for Rhabdoid tumor predisposition syndrome 2; Intellectual disability, autosomal dominant 16; Otosclerosis 12. Last evaluated: 2024-04-04. Review status: criteria provided, single submitter. Criteria: ACMG Guidelines, 2015. Collection method: clinical testing. Allele origin: germline.

Baylor Genetics
Classification: Uncertain significance for Rhabdoid tumor predisposition syndrome 2. Last evaluated: 2023-09-08. Review status: criteria provided, single submitter. Criteria: ACMG Guidelines, 2015. Collection method: clinical testing. Allele origin: unknown.

Genome-Nilou Lab
Classification: Uncertain significance for Intellectual disability, autosomal dominant 16. Last evaluated: 2021-07-15. Review status: criteria provided, single submitter. Criteria: ACMG Guidelines, 2015. Collection method: clinical testing. Allele origin: germline. Affected: no.

Fulgent Genetics
Classification: Uncertain significance for Rhabdoid tumor predisposition syndrome 2; Intellectual disability, autosomal dominant 16. Last evaluated: 2018-10-31. Review status: criteria provided, single submitter. Criteria: ACMG Guidelines, 2015. Collection method: clinical testing. Allele origin: unknown.

Literature cited by the submitters: PubMed 37500730 (cited by Labcorp Genetics (formerly Invitae), Labcorp).